The following is an entry in ClinVar:

NM_000291.4(PGK1):c.253C>T (p.Leu85Phe)

Gene: PGK1 (phosphoglycerate kinase 1; plus strand). Cytogenetic location: Xq21.1.
Variant type: single nucleotide variant.
Coding change: c.253C>T on transcript NM_000291.4 (MANE Select); coding-DNA position 253, C replaced by T.
Protein change: p.Leu85Phe; replaces leucine 85 with phenylalanine.
Molecular consequence: missense variant.
Genome position (GRCh38, 1-based): chrX:78,113,880, C>T. VCF-style: chrX-78113880-C-T. GRCh37 (hg19) VCF-style: chrX-77369377-C-T.
Other names: short protein forms L85F.
Identifiers: ClinVar variation 4771658 (VCV004771658.1).

ClinVar aggregate classification (germline): Uncertain significance (1 of 4 stars; one submission).

gnomAD v4.1: 3 of 1,211,552 alleles (0.00025%); highest among the groups gnomAD compares: African/African-American, 0.0017%; no homozygotes.

Submission:

Labcorp Genetics (formerly Invitae), Labcorp
Classification: Uncertain significance. Last evaluated: 2025-02-09. Review status: criteria provided, single submitter. Criteria: Invitae Variant Classification Sherloc (09022015). Collection method: clinical testing. Allele origin: germline.
Comment: This sequence change replaces leucine, which is neutral and non-polar, with phenylalanine, which is neutral and non-polar, at codon 85 of the PGK1 protein (p.Leu85Phe). This variant is present in population databases (no rsID available, gnomAD 0.008%). This variant has not been reported in the literature in individuals affected with PGK1-related conditions. Invitae Evidence Modeling of protein sequence and biophysical properties (such as structural, functional, and spatial information, amino acid conservation, physicochemical variation, residue mobility, and thermodynamic stability) indicates that this missense variant is not expected to disrupt PGK1 protein function with a negative predictive value of 80%. In summary, the available evidence is currently insufficient to determine the role of this variant in disease. Therefore, it has been classified as a Variant of Uncertain Significance.